The following is an entry in ClinVar:

ClinVar aggregate classification (germline): Likely benign (1 of 4 stars; one submission).

Submission:

CeGaT Center for Human Genetics Tuebingen
Classification: Likely benign. Last evaluated: 2022-08-01. Review status: criteria provided, single submitter. Criteria: CeGaT Center For Human Genetics Tuebingen Variant Classification Criteria Version 2. Collection method: clinical testing. Allele origin: germline. Affected: yes. Observed: 1 variant allele.
Comment: TNXB: BP4, BP7

NM_001365276.2(TNXB):c.12603C>T (p.Asn4201=)

Genes: TNXB (tenascin XB; minus strand), LOC106780803 (tenascin XB recombination region; plus strand). Cytogenetic location: 6p21.33.
Variant type: single nucleotide variant.
Coding change: c.12603C>T on transcript NM_001365276.2 (MANE Select); coding-DNA position 12603, C replaced by T.
Protein change: p.Asn4201=; no amino-acid change (asparagine 4201 retained).
Molecular consequence: synonymous variant.
Genome position (GRCh38, 1-based): chr6:32,041,801, G>A on the plus strand (C>T on the coding strand, the complement: TNXB is on the minus strand). VCF-style: chr6-32041801-G-A. GRCh37 (hg19) VCF-style: chr6-32009578-G-A.
Other names: c.12597C>T, p.Asn4199= (NM_019105.8); c.1890C>T, p.Asn630= (NM_032470.4).
Identifiers: ClinVar variation 1711621 (VCV001711621.30), dbSNP rs1203694843, ClinGen allele CA449730079.